The following is an entry in ClinVar:

NM_001387430.1(SH2B1):c.1968G>A (p.Gly656=)

Gene: SH2B1 (SH2B adaptor protein 1; plus strand). Cytogenetic location: 16p11.2.
Variant type: single nucleotide variant.
Coding change: c.1968G>A on transcript NM_001387430.1 (MANE Select); coding-DNA position 1968, G replaced by A.
Protein change: p.Gly656=; no amino-acid change (glycine 656 retained).
Molecular consequence: synonymous variant. On other transcripts: 3 prime UTR variant (5).
Genome position (GRCh38, 1-based): chr16:28,873,517, G>A. VCF-style: chr16-28873517-G-A. GRCh37 (hg19) VCF-style: chr16-28884838-G-A.
Other names: c.1968G>A, p.Gly656= (NM_001145795.2, NM_001308293.2, NM_001387404.1); c.*52G>A (NM_001145796.2, NM_001145812.2, NM_001308294.2 and 1 more transcripts); c.*69G>A (NM_001145797.2).
Identifiers: ClinVar variation 3354755 (VCV003354755.1).

ClinVar aggregate classification (germline): Likely benign (0 of 4 stars; one submission).

Conditions:
SH2B1-related disorder. Also called: SH2B1-related condition.

gnomAD v4.1: 1 of 1,601,356 alleles (0.000062%); highest among the groups gnomAD compares: Non-Finnish European, 0.000085%; no homozygotes.

Submission:

PreventionGenetics, part of Exact Sciences
Classification: Likely benign for SH2B1-related condition. Last evaluated: 2021-09-22. Review status: no assertion criteria provided. Collection method: clinical testing. Allele origin: germline.
Comment: This variant is classified as likely benign based on ACMG/AMP sequence variant interpretation guidelines (Richards et al. 2015 PMID: 25741868, with internal and published modifications).